The following is an entry in ClinVar:

NM_006372.5(SYNCRIP):c.1275T>A (p.Asn425Lys)

Gene: SYNCRIP (synaptotagmin binding cytoplasmic RNA interacting protein; minus strand). Cytogenetic location: 6q14.3.
Variant type: single nucleotide variant.
Coding change: c.1275T>A on transcript NM_006372.5 (MANE Select); coding-DNA position 1275, T replaced by A.
Protein change: p.Asn425Lys; replaces asparagine 425 with lysine.
Molecular consequence: missense variant.
Genome position (GRCh38, 1-based): chr6:85,618,823, A>T on the plus strand (T>A on the coding strand, the complement: SYNCRIP is on the minus strand). VCF-style: chr6-85618823-A-T. GRCh37 (hg19) VCF-style: chr6-86328541-A-T.
Other names: c.981T>A, p.Asn327Lys (NM_001159673.2, NM_001410938.1); c.1170T>A, p.Asn390Lys (NM_001159674.2, NM_001159675.2); c.1275T>A, p.Asn425Lys (NM_001159676.2, NM_001159677.2); c.819T>A, p.Asn273Lys (NM_001253771.2); short protein forms N273K, N327K, N390K, N425K.
Identifiers: ClinVar variation 2136198 (VCV002136198.2), dbSNP rs2537760998, ClinGen allele CA364901555.
Genomic context (GRCh38, chr6:85,618,823, plus strand): 5'-TTAGTGTATAAATATTAAAATTTATACAATTTTTAAGTATACAAATTTCACTCACATTTG[A>T]TTTTTTGCTGCTTGCCTCTGAGCTTTTCTTTCTTTCCTTTTCTGATCTGGTGGCTTGGCA-3'
Protein context (NP_006363.4, residues 415-435): ERKAQRQAAK[Asn425Lys]QMYDDYYYYG

ClinVar aggregate classification (germline): Uncertain significance (1 of 4 stars; one submission).

Submission:

GeneDx
Classification: Uncertain significance. Last evaluated: 2026-01-11. Review status: criteria provided, single submitter. Criteria: GeneDx Variant Classification Process June 2021. Collection method: clinical testing. Allele origin: germline. Affected: yes.
Comment: Not observed at significant frequency in large population cohorts (gnomAD); In silico analysis supports that this missense variant does not alter protein structure/function; Has not been previously published as pathogenic or benign to our knowledge